The following is an entry in ClinVar:

ClinVar aggregate classification (germline): Benign (1 of 4 stars; one submission).

Allele frequency attached by ClinVar (database versions not stated): 1000 Genomes Project 0.24940; TOPMed 0.27218; 1000 Genomes Project 30x 0.24344.

Submission:

GeneDx
Classification: Benign. Last evaluated: 2019-08-23. Review status: criteria provided, single submitter. Criteria: GeneDx Variant Classification Process June 2021. Collection method: clinical testing. Allele origin: germline. Affected: yes.
Comment: This variant is associated with the following publications: (PMID: 29981421)

NC_000006.12:g.13574110G>A

Gene: SIRT5 (sirtuin 5; plus strand). Cytogenetic location: 6p23.
Variant type: single nucleotide variant.
Genome position: GRCh38 VCF-style: chr6-13574110-G-A. GRCh37 (hg19) VCF-style: chr6-13574342-G-A.
Identifiers: ClinVar variation 1226558 (VCV001226558.4), dbSNP rs2804924, ClinGen allele CA15449522.